The following is an entry in ClinVar:

NM_001164508.2(NEB):c.12318C>T (p.Asp4106=)

Gene: NEB (nebulin; minus strand). Cytogenetic location: 2q23.3.
Variant type: single nucleotide variant.
Coding change: c.12318C>T on transcript NM_001164508.2 (MANE Select); coding-DNA position 12318, C replaced by T.
Protein change: p.Asp4106=; no amino-acid change (aspartic acid 4106 retained).
Molecular consequence: synonymous variant.
Genome position (GRCh38, 1-based): chr2:151,609,821, G>A on the plus strand (C>T on the coding strand, the complement: NEB is on the minus strand). VCF-style: chr2-151609821-G-A. GRCh37 (hg19) VCF-style: chr2-152466335-G-A.
Other names: c.12318C>T, p.Asp4106= (NM_001164507.2, NM_001271208.2); c.11589C>T, p.Asp3863= (NM_004543.5); c.12318C>T (NM_001271208.1).
Identifiers: ClinVar variation 1589999 (VCV001589999.10), dbSNP rs1209799302, ClinGen allele CA429452099.

ClinVar aggregate classification (germline): Likely benign. Review status: criteria provided, single submitter (1 of 4 stars). 2 submissions from 2 submitters: Likely benign (1). 1 of the submissions does not count toward it. Last evaluated 2025-02-04.

Conditions:
NEB-related disorder. Also called: NEB-Related Disorders; NEB-related condition.
Nemaline myopathy 2 (NEM2). Also called: Nemaline myopathy 2, autosomal recessive. Identifiers: MedGen C1850569, MONDO:0009725, OMIM 256030.

Allele frequency attached by ClinVar (database versions not stated): gnomAD exomes below 0.00001; TOPMed below 0.00001; gnomAD 0.00001.
gnomAD v4.1: 5 of 1,589,132 alleles (0.00031%); highest among the groups gnomAD compares: Non-Finnish European, 0.00043%; no homozygotes.

Submissions (2):

Labcorp Genetics (formerly Invitae), Labcorp
Classification: Likely benign for Nemaline myopathy 2. Last evaluated: 2025-02-04. Review status: criteria provided, single submitter. Criteria: Invitae Variant Classification Sherloc (09022015). Collection method: clinical testing. Allele origin: germline.

PreventionGenetics, part of Exact Sciences
Classification: Likely benign for NEB-related condition. Last evaluated: 2019-09-05. Review status: no assertion criteria provided. Collection method: clinical testing. Allele origin: germline. Not counted in ClinVar's aggregate classification.
Comment: This variant is classified as likely benign based on ACMG/AMP sequence variant interpretation guidelines (Richards et al. 2015 PMID: 25741868, with internal and published modifications).